The following is an entry in ClinVar:

NM_001323289.2(CDKL5):c.2046G>A (p.Glu682=)

Gene: CDKL5 (cyclin dependent kinase like 5; plus strand). Cytogenetic location: Xp22.13.
Variant type: single nucleotide variant.
Coding change: c.2046G>A on transcript NM_001323289.2 (MANE Select); coding-DNA position 2046, G replaced by A.
Protein change: p.Glu682=; no amino-acid change (glutamic acid 682 retained).
Molecular consequence: synonymous variant.
Genome position (GRCh38, 1-based): chrX:18,608,912, G>A. VCF-style: chrX-18608912-G-A. GRCh37 (hg19) VCF-style: chrX-18627032-G-A.
Other names: c.2046G>A, p.Glu682= (NM_001037343.2, NM_003159.3).
Identifiers: ClinVar variation 3902516 (VCV003902516.1).
Genomic context (GRCh38, chrX:18,608,912, plus strand): 5'-TTCGGTCAAAGAGACCTCCAGAGAAGGCACCTCTTCCTTCCATACACGCCAGAAGTCTGA[G>A]GTATGTCACAATAAAATATGCCTGTAAACATTTGTTCAACATCATTACTGCCTAGCTTTT-3'
Protein context (NP_001310218.1, residues 672-692): TSSFHTRQKS[Glu682=]GGVYHDPHSD

ClinVar aggregate classification (germline): Uncertain significance (1 of 4 stars; one submission).

Submission:

Women's Health and Genetics/Laboratory Corporation of America, LabCorp
Classification: Uncertain significance. Last evaluated: 2025-05-05. Review status: criteria provided, single submitter. Criteria: LabCorp Variant Classification Summary - May 2015. Collection method: clinical testing. Allele origin: germline.
Comment: Variant summary: CDKL5 c.2046G>A (p.Glu682Glu) alters a conserved nucleotide located close to a canonical splice site and therefore could affect mRNA splicing, leading to a significantly altered protein sequence. Several computational tools predict a significant impact on normal splicing: Four predict the variant weakens a 5' donor site. However, these predictions have yet to be confirmed by functional studies. The variant was absent in 182345 control chromosomes. The available data on variant occurrences in the general population are insufficient to allow any conclusion about variant significance. To our knowledge, no occurrence of c.2046G>A in individuals affected with Early Infantile Epileptic Encephalopathy 2 and no experimental evidence demonstrating its impact on protein function have been reported. No submitters have cited clinical-significance assessments for this variant to ClinVar. Based on the evidence outlined above, the variant was classified as uncertain significance.